The following is an entry in ClinVar:

ClinVar aggregate classification (germline): Likely pathogenic (1 of 4 stars; one submission).

Conditions:
Spermatogenic failure 56. Identifiers: MedGen C5561978, MONDO:0030430, OMIM 619515.

Submission:

Juno Genomics, Hangzhou Juno Genomics, Inc
Classification: Likely pathogenic for Spermatogenic failure 56. Review status: criteria provided, single submitter. Criteria: ACMG Guidelines, 2015. Collection method: clinical testing. Allele origin: germline.
Comment: Null variant in a gene where loss of function (LOF) is a known mechanism of disease.;Absent from controls (or at extremely low frequency if recessive) in Genome Aggregation Database.

NM_001372106.1(DNAH10):c.4367T>A (p.Leu1456Ter)

Gene: DNAH10 (dynein axonemal heavy chain 10; plus strand). Cytogenetic location: 12q24.31.
Variant type: single nucleotide variant.
Coding change: c.4367T>A on transcript NM_001372106.1 (MANE Select); coding-DNA position 4367, T replaced by A.
Protein change: p.Leu1456Ter; replaces leucine 1456 with a stop codon.
Molecular consequence: nonsense.
Genome position (GRCh38, 1-based): chr12:123,826,874, T>A. VCF-style: chr12-123826874-T-A. GRCh37 (hg19) VCF-style: chr12-124311421-T-A.
Other names: c.4013T>A, p.Leu1338Ter (NM_207437.3); short protein forms L1338*, L1456*.
Identifiers: ClinVar variation 5005057 (VCV005005057.2).
Genomic context (GRCh38, chr12:123,826,874, plus strand): 5'-CCTACTACTTGGAAGCAAAAATGAAGGCATTCAAAGACTCGATTCCTTTACTTCTTGACT[T>A]GAAAAACGAGGCACTAAGAGACAGGTTTGTTTTGTCCTCTGTCCGCAGATGTAAAAGTGT-3'